The following is an entry in ClinVar:

ClinVar aggregate classification (germline): Benign (1 of 4 stars; one submission).

Allele frequency attached by ClinVar (database versions not stated): 1000 Genomes Project 30x 0.20956; 1000 Genomes Project 0.21066; TOPMed 0.26855; gnomAD 0.27751 and 0.27893.
gnomAD v4.1: 42,291 of 151,944 alleles (28%); highest among the groups gnomAD compares: Middle Eastern, 41%; 6,644 homozygotes.

Submission:

GeneDx
Classification: Benign. Last evaluated: 2018-06-18. Review status: criteria provided, single submitter. Criteria: GeneDx Variant Classification (06012015). Collection method: clinical testing. Allele origin: germline. Affected: yes.
Comment: This variant is considered likely benign or benign based on one or more of the following criteria: it is a conservative change, it occurs at a poorly conserved position in the protein, it is predicted to be benign by multiple in silico algorithms, and/or has population frequency not consistent with disease.

NM_004415.4(DSP):c.2878-268A>G

Gene: DSP (desmoplakin; plus strand). Cytogenetic location: 6p24.3.
Variant type: single nucleotide variant.
Coding change: c.2878-268A>G on transcript NM_004415.4 (MANE Select); 268 bases into the intron before coding-DNA position 2878, A replaced by G.
Molecular consequence: intron variant.
Genome position (GRCh38, 1-based): chr6:7,577,511, A>G. VCF-style: chr6-7577511-A-G. GRCh37 (hg19) VCF-style: chr6-7577744-A-G.
Other names: c.2878-268A>G (NM_001319034.2, NM_001008844.3).
Identifiers: ClinVar variation 683476 (VCV000683476.1), dbSNP rs2806231, ClinGen allele CA12223692.